The following is an entry in ClinVar:

ClinVar aggregate classification (germline): Likely benign. Review status: criteria provided, single submitter (1 of 4 stars). 2 submissions from 2 submitters: Likely benign (1). 1 of the submissions does not count toward it. Last evaluated 2024-08-13.

Conditions:
RAI1-related disorder. Also called: RAI1-related condition.

Allele frequency attached by ClinVar (database versions not stated): ExAC 0.00004; gnomAD 0.00004 and 0.00005; gnomAD exomes 0.00005; TOPMed 0.00005; 1000 Genomes Project 30x 0.00016; 1000 Genomes Project 0.00020.
gnomAD v4.1: 82 of 1,610,108 alleles (0.0051%); highest among the groups gnomAD compares: Admixed American, 0.015%; no homozygotes.

Submissions (2):

Labcorp Genetics (formerly Invitae), Labcorp
Classification: Likely benign. Last evaluated: 2024-08-13. Review status: criteria provided, single submitter. Criteria: Invitae Variant Classification Sherloc (09022015). Collection method: clinical testing. Allele origin: germline.

PreventionGenetics, part of Exact Sciences
Classification: Likely benign for RAI1-related condition. Last evaluated: 2022-10-21. Review status: no assertion criteria provided. Collection method: clinical testing. Allele origin: germline. Not counted in ClinVar's aggregate classification.
Comment: This variant is classified as likely benign based on ACMG/AMP sequence variant interpretation guidelines (Richards et al. 2015 PMID: 25741868, with internal and published modifications).

NM_030665.4(RAI1):c.5487C>T (p.Ala1829=)

Gene: RAI1 (retinoic acid induced 1; plus strand). Cytogenetic location: 17p11.2.
Variant type: single nucleotide variant.
Coding change: c.5487C>T on transcript NM_030665.4 (MANE Select); coding-DNA position 5487, C replaced by T.
Protein change: p.Ala1829=; no amino-acid change (alanine 1829 retained).
Molecular consequence: synonymous variant.
Genome position (GRCh38, 1-based): chr17:17,798,435, C>T. VCF-style: chr17-17798435-C-T. GRCh37 (hg19) VCF-style: chr17-17701749-C-T.
Other names: c.5487C>T (NM_030665.3).
Identifiers: ClinVar variation 1615471 (VCV001615471.10), dbSNP rs192877669, ClinGen allele CA8419170.